The following is an entry in ClinVar:

NM_004281.4(BAG3):c.332T>C (p.Phe111Ser)

Gene: BAG3 (BAG cochaperone 3; plus strand). Cytogenetic location: 10q26.11.
Variant type: single nucleotide variant.
Coding change: c.332T>C on transcript NM_004281.4 (MANE Select); coding-DNA position 332, T replaced by C.
Protein change: p.Phe111Ser; replaces phenylalanine 111 with serine.
Molecular consequence: missense variant.
Genome position (GRCh38, 1-based): chr10:119,670,002, T>C. VCF-style: chr10-119670002-T-C. GRCh37 (hg19) VCF-style: chr10-121429514-T-C.
Other names: short protein forms F111S.
Identifiers: ClinVar variation 1359211 (VCV001359211.6), dbSNP rs1847124056, ClinGen allele CA378294877.

ClinVar aggregate classification (germline): Uncertain significance (1 of 4 stars; one submission).

Conditions:
Dilated cardiomyopathy 1HH (CMD1HH). Identifiers: Orphanet 154, MedGen C3151293, MONDO:0013479, OMIM 613881.
Myofibrillar myopathy 6. Identifiers: Orphanet 199340, MedGen C2751831, MONDO:0013061, OMIM 612954.

Allele frequency attached by ClinVar (database versions not stated): gnomAD exomes below 0.00001.
gnomAD v4.1: 3 of 1,614,188 alleles (0.00019%); highest among the groups gnomAD compares: Non-Finnish European, 0.00025%; no homozygotes.

Submission:

Labcorp Genetics (formerly Invitae), Labcorp
Classification: Uncertain significance for Dilated cardiomyopathy 1HH; Myofibrillar myopathy 6. Last evaluated: 2022-06-13. Review status: criteria provided, single submitter. Criteria: Invitae Variant Classification Sherloc (09022015). Collection method: clinical testing. Allele origin: germline.
Comment: In summary, the available evidence is currently insufficient to determine the role of this variant in disease. Therefore, it has been classified as a Variant of Uncertain Significance. Algorithms developed to predict the effect of missense changes on protein structure and function output the following: SIFT: "Tolerated"; PolyPhen-2: "Benign"; Align-GVGD: "Class C0". The serine amino acid residue is found in multiple mammalian species, which suggests that this missense change does not adversely affect protein function. This variant has not been reported in the literature in individuals affected with BAG3-related conditions. This variant is not present in population databases (gnomAD no frequency). This sequence change replaces phenylalanine, which is neutral and non-polar, with serine, which is neutral and polar, at codon 111 of the BAG3 protein (p.Phe111Ser).